The following is an entry in ClinVar:

NM_000260.4(MYO7A):c.5681C>T (p.Ala1894Val)

Gene: MYO7A (myosin VIIA; plus strand). Cytogenetic location: 11q13.5.
Variant type: single nucleotide variant.
Coding change: c.5681C>T on transcript NM_000260.4 (MANE Select); coding-DNA position 5681, C replaced by T.
Protein change: p.Ala1894Val; replaces alanine 1894 with valine.
Molecular consequence: missense variant.
Genome position (GRCh38, 1-based): chr11:77,206,141, C>T. VCF-style: chr11-77206141-C-T. GRCh37 (hg19) VCF-style: chr11-76917186-C-T.
Other names: c.5567C>T, p.Ala1856Val (NM_001127180.2); c.5534C>T, p.Ala1845Val (NM_001369365.1); short protein forms A1856V, A1894V, A1845V.
Identifiers: ClinVar variation 935392 (VCV000935392.12), dbSNP rs201314332, ClinGen allele CA6198793.

ClinVar aggregate classification (germline): Uncertain significance. Review status: criteria provided, multiple submitters, no conflicts (2 of 4 stars). 6 submissions from 6 submitters: Uncertain significance (5). 1 of the submissions does not count toward it. Last evaluated 2026-04-15.

Conditions:
MYO7A-related disorder. Also called: MYO7A-related disorders.
Inborn genetic diseases. Identifiers: MedGen C0950123, MeSH D030342.
Usher syndrome type 1B (USH1B). Also called: Usher syndrome type IB. Identifiers: MedGen C1848638, MONDO:0700087.

Allele frequency attached by ClinVar (database versions not stated): gnomAD exomes 0.00001 and 0.00003; ExAC 0.00005; gnomAD 0.00006 and 0.00007; TOPMed 0.00007; 1000 Genomes Project 30x 0.00016; 1000 Genomes Project 0.00020; ESP Exome Variant Server 0.00024.
gnomAD v4.1: 21 of 1,613,528 alleles (0.0013%); highest among the groups gnomAD compares: African/African-American, 0.028%; no homozygotes.

Submissions (6):

PreventionGenetics, part of Exact Sciences
Classification: Uncertain significance for MYO7A-related condition. Last evaluated: 2026-04-15. Review status: criteria provided, single submitter. Criteria: ACMG Guidelines, 2015. Collection method: clinical testing. Allele origin: germline.
Comment: The MYO7A c.5681C>T variant is predicted to result in the amino acid substitution p.Ala1894Val. To our knowledge, this variant has not been reported in the literature. This variant is reported in 0.046% of alleles in individuals of African descent in gnomAD. At this time, the clinical significance of this variant is uncertain due to the absence of conclusive functional and genetic evidence.

Labcorp Genetics (formerly Invitae), Labcorp
Classification: Uncertain significance. Last evaluated: 2023-11-22. Review status: criteria provided, single submitter. Criteria: Invitae Variant Classification Sherloc (09022015). Collection method: clinical testing. Allele origin: germline.
Comment: This sequence change replaces alanine, which is neutral and non-polar, with valine, which is neutral and non-polar, at codon 1894 of the MYO7A protein (p.Ala1894Val). This variant is present in population databases (rs201314332, gnomAD 0.05%). This variant has not been reported in the literature in individuals affected with MYO7A-related conditions. ClinVar contains an entry for this variant (Variation ID: 935392). Advanced modeling of protein sequence and biophysical properties (such as structural, functional, and spatial information, amino acid conservation, physicochemical variation, residue mobility, and thermodynamic stability) performed at Invitae indicates that this missense variant is expected to disrupt MYO7A protein function with a positive predictive value of 95%. In summary, the available evidence is currently insufficient to determine the role of this variant in disease. Therefore, it has been classified as a Variant of Uncertain Significance.

GeneDx
Classification: Uncertain significance. Last evaluated: 2023-06-02. Review status: criteria provided, single submitter. Criteria: GeneDx Variant Classification Process June 2021. Collection method: clinical testing. Allele origin: germline. Affected: yes.
Comment: In silico analysis supports that this missense variant has a deleterious effect on protein structure/function; Has not been previously published as pathogenic or benign to our knowledge

Blueprint Genetics
Classification: Uncertain significance. Last evaluated: 2022-11-17. Review status: criteria provided, single submitter. Criteria: ACMG Guidelines, 2015. Collection method: clinical testing. Allele origin: germline.

Ambry Genetics
Classification: Uncertain significance for Inborn genetic diseases. Last evaluated: 2021-07-14. Review status: criteria provided, single submitter. Criteria: Ambry Variant Classification Scheme 2023. Collection method: clinical testing. Allele origin: germline.

Natera, Inc.
Classification: Uncertain significance for Usher syndrome type 1B. Last evaluated: 2020-10-28. Review status: no assertion criteria provided. Collection method: clinical testing. Allele origin: germline. Not counted in ClinVar's aggregate classification.